The following is an entry in ClinVar:

ClinVar aggregate classification (germline): Uncertain significance (1 of 4 stars; one submission).

gnomAD v4.1: 5 of 1,613,832 alleles (0.00031%); highest among the groups gnomAD compares: Non-Finnish European, 0.00042%; no homozygotes.

Submission:

Labcorp Genetics (formerly Invitae), Labcorp
Classification: Uncertain significance. Last evaluated: 2024-12-28. Review status: criteria provided, single submitter. Criteria: Invitae Variant Classification Sherloc (09022015). Collection method: clinical testing. Allele origin: germline.
Comment: This sequence change replaces glycine, which is neutral and non-polar, with valine, which is neutral and non-polar, at codon 421 of the ANXA11 protein (p.Gly421Val). This variant is present in population databases (no rsID available, gnomAD 0.007%). This variant has not been reported in the literature in individuals affected with ANXA11-related conditions. An algorithm developed to predict the effect of missense changes on protein structure and function (PolyPhen-2) suggests that this variant is likely to be disruptive. In summary, the available evidence is currently insufficient to determine the role of this variant in disease. Therefore, it has been classified as a Variant of Uncertain Significance.

NM_145868.2(ANXA11):c.1262G>T (p.Gly421Val)

Genes: ANXA11 (annexin A11; minus strand), LOC126860977 (CDK7 strongly-dependent group 2 enhancer GRCh37_chr10:81917938-81919137; plus strand). Cytogenetic location: 10q22.3.
Variant type: single nucleotide variant.
Coding change: c.1262G>T on transcript NM_145868.2 (MANE Select); coding-DNA position 1262, G replaced by T.
Protein change: p.Gly421Val; replaces glycine 421 with valine.
Molecular consequence: missense variant.
Genome position (GRCh38, 1-based): chr10:80,159,114, C>A on the plus strand (G>T on the coding strand, the complement: ANXA11 is on the minus strand). VCF-style: chr10-80159114-C-A. GRCh37 (hg19) VCF-style: chr10-81918870-C-A.
Other names: c.1262G>T, p.Gly421Val (NM_001278407.2, NM_001278408.2, NM_145869.2 and 1 more transcripts); c.1163G>T, p.Gly388Val (NM_001278409.2); short protein forms G388V, G421V.
Identifiers: ClinVar variation 3616993 (VCV003616993.2).